The following is an entry in ClinVar:

ClinVar aggregate classification (germline): Likely benign (1 of 4 stars; one submission).

Submission:

CeGaT Center for Human Genetics Tuebingen
Classification: Likely benign. Last evaluated: 2025-06-01. Review status: criteria provided, single submitter. Criteria: CeGaT Center For Human Genetics Tuebingen Variant Classification Criteria Version 2. Collection method: clinical testing. Allele origin: germline. Affected: yes. Observed: 1 variant allele.
Comment: ANKRD17: PM2:Supporting, BP4, BP7

NM_032217.5(ANKRD17):c.69G>T (p.Val23=)

Genes: ANKRD17 (ankyrin repeat domain 17; minus strand), LOC129992670 (ATAC-STARR-seq lymphoblastoid silent region 15476; plus strand). Cytogenetic location: 4q13.3.
Variant type: single nucleotide variant.
Coding change: c.69G>T on transcript NM_032217.5 (MANE Select); coding-DNA position 69, G replaced by T.
Protein change: p.Val23=; no amino-acid change (valine 23 retained).
Molecular consequence: synonymous variant.
Genome position (GRCh38, 1-based): chr4:73,258,600, C>A on the plus strand (G>T on the coding strand, the complement: ANKRD17 is on the minus strand). VCF-style: chr4-73258600-C-A. GRCh37 (hg19) VCF-style: chr4-74124317-C-A.
Other names: c.69G>T, p.Val23= (NM_015574.2, NM_198889.3).
Identifiers: ClinVar variation 4085186 (VCV004085186.8).